The following is an entry in ClinVar:

ClinVar aggregate classification (germline): Uncertain significance. Review status: criteria provided, multiple submitters, no conflicts (2 of 4 stars). 2 submissions from 2 submitters: Uncertain significance (2). Last evaluated 2025-12-08.

Conditions:
Cardiovascular phenotype. Identifiers: MedGen CN230736.
Progressive familial heart block type IB (PFHB1B). Identifiers: Orphanet 871, MedGen C1970298, MONDO:0011474, OMIM 604559.

Submissions (2):

Labcorp Genetics (formerly Invitae), Labcorp
Classification: Uncertain significance for Progressive familial heart block type IB. Last evaluated: 2025-12-08. Review status: criteria provided, single submitter. Criteria: Invitae Variant Classification Sherloc (09022015). Collection method: clinical testing. Allele origin: germline.
Comment: This sequence change replaces aspartic acid, which is acidic and polar, with tyrosine, which is neutral and polar, at codon 614 of the TRPM4 protein (p.Asp614Tyr). This variant is not present in population databases (gnomAD no frequency). This variant has not been reported in the literature in individuals affected with TRPM4-related conditions. ClinVar contains an entry for this variant (Variation ID: 1417063). An algorithm developed to predict the effect of missense changes on protein structure and function (PolyPhen-2) suggests that this variant is likely to be disruptive. In summary, the available evidence is currently insufficient to determine the role of this variant in disease. Therefore, it has been classified as a Variant of Uncertain Significance.

Ambry Genetics
Classification: Uncertain significance for Cardiovascular phenotype. Last evaluated: 2025-08-03. Review status: criteria provided, single submitter. Criteria: Ambry Variant Classification Scheme 2023. Collection method: clinical testing. Allele origin: germline.
Comment: The p.D614Y variant (also known as c.1840G>T), located in coding exon 13 of the TRPM4 gene, results from a G to T substitution at nucleotide position 1840. The aspartic acid at codon 614 is replaced by tyrosine, an amino acid with highly dissimilar properties. This amino acid position is conserved. In addition, this alteration is predicted to be tolerated by in silico analysis. Based on the available evidence, the clinical significance of this variant remains unclear.

NM_017636.4(TRPM4):c.1840G>T (p.Asp614Tyr)

Gene: TRPM4 (transient receptor potential cation channel subfamily M member 4; plus strand). Cytogenetic location: 19q13.33.
Variant type: single nucleotide variant.
Coding change: c.1840G>T on transcript NM_017636.4 (MANE Select); coding-DNA position 1840, G replaced by T.
Protein change: p.Asp614Tyr; replaces aspartic acid 614 with tyrosine.
Molecular consequence: missense variant.
Genome position (GRCh38, 1-based): chr19:49,188,737, G>T. VCF-style: chr19-49188737-G-T. GRCh37 (hg19) VCF-style: chr19-49691994-G-T.
Other names: c.1840G>T, p.Asp614Tyr (NM_001195227.2); c.1495G>T, p.Asp499Tyr (NM_001321281.2); c.232G>T, p.Asp78Tyr (NM_001321282.2); c.1318G>T, p.Asp440Tyr (NM_001321283.2); c.778G>T, p.Asp260Tyr (NM_001321285.2); c.1840G>T (NM_017636.3); short protein forms D260Y, D78Y, D614Y, D440Y, D499Y.
Identifiers: ClinVar variation 1417063 (VCV001417063.10), dbSNP rs2122982877, ClinGen allele CA406803181.